The following is an entry in ClinVar:

ClinVar aggregate classification (germline): Conflicting classifications of pathogenicity. Review status: criteria provided, conflicting classifications (1 of 4 stars). 7 submissions from 6 submitters: Uncertain significance (5); Likely benign (1). 1 of the submissions does not count toward it. Last evaluated 2025-10-22.

Conditions:
PLCE1-related disorder. Also called: PLCE1-related condition.
Focal segmental glomerulosclerosis (FSGS). Also called: Glomerulosclerosis, focal; Focal sclerosis with hyalinosis. Identifiers: MedGen C0017668, MONDO:0100313, HP:0000097. Disease mechanism: loss of function.
Proteinuria. Identifiers: MedGen C0033687, MONDO:0003634, HP:0000093.
Nephrotic syndrome, type 3 (NPHS3). Also called: NEPHROTIC SYNDROME, EARLY-ONSET, TYPE 3. Identifiers: Orphanet 656, MedGen C1853124, MONDO:0012546, OMIM 610725.
Kidney disorder. Also called: renal disease; Nephropathy; Kidney disease; Kidney Diseases; renal disorder. Identifiers: MedGen C0022658, MONDO:0005240, HP:0000112.

Allele frequency attached by ClinVar (database versions not stated): gnomAD exomes 0.00017 and 0.00039; ExAC 0.00038; ESP Exome Variant Server 0.00073; 1000 Genomes Project 30x 0.00078; 1000 Genomes Project 0.00080; gnomAD 0.00116 and 0.00127; TOPMed 0.00167.
gnomAD v4.1: 459 of 1,614,028 alleles (0.028%); highest among the groups gnomAD compares: African/African-American, 0.42%; no homozygotes.

Submissions (7):

Labcorp Genetics (formerly Invitae), Labcorp
Classification: Likely benign. Last evaluated: 2025-10-22. Review status: criteria provided, single submitter. Criteria: Invitae Variant Classification Sherloc (09022015). Collection method: clinical testing. Allele origin: germline.

Blueprint Genetics
Classification: Uncertain significance. Last evaluated: 2024-09-23. Review status: criteria provided, single submitter. Criteria: ACMG Guidelines, 2015. Collection method: clinical testing. Allele origin: germline.

Clinical Genomics Laboratory, Washington University in St. Louis
Classification: Uncertain significance for Nephrotic syndrome, type 3. Last evaluated: 2023-12-19. Review status: criteria provided, single submitter. Criteria: ACMG Guidelines, 2015. Collection method: clinical testing. Allele origin: germline.
Comment: The PLCE1 c. 3595G>A (p.Gly1199Ser) variant, to our knowledge, has not been reported in the medical literature in relation to renal disease. The highest population minor allele frequency in the population database genome aggregation database (v.2.1.1) is 0.36% in the African/African American population which is lower than the incidence of nephrotic syndrome. This variant has been reported in the ClinVar database as a variant of uncertain significance by three submitters and a likely benign variant by a single submitter (ClinVar ID: 1210225). Computational predictors suggest that the variant does not impact PLCE1 function. Due to limited information, and based on ACMG/AMP guidelines for variant interpretation (Richards S et al., PMID: 25741868), the clinical significance of this variant is uncertain at this time.

UNC Molecular Genetics  Laboratory, University of North Carolina at Chapel Hill
Classification: Uncertain significance for Proteinuria. Last evaluated: 2022-03-03. Review status: criteria provided, single submitter. Criteria: ACMG Guidelines, 2015. Collection method: clinical testing. Allele origin: germline. Affected: yes. Observed: 1 heterozygote.

UNC Molecular Genetics  Laboratory, University of North Carolina at Chapel Hill
Classification: Uncertain significance for Focal segmental glomerulosclerosis. Last evaluated: 2021-03-17. Review status: criteria provided, single submitter. Criteria: ACMG Guidelines, 2015. Collection method: clinical testing. Allele origin: germline. Affected: yes. Observed: 1 heterozygote.

Genome Diagnostics Laboratory, The Hospital for Sick Children
Classification: Uncertain significance for Kidney disorder. Last evaluated: 2016-12-12. Review status: criteria provided, single submitter. Criteria: ACMG Guidelines, 2015. Collection method: clinical testing. Allele origin: germline.

PreventionGenetics, part of Exact Sciences
Classification: Likely benign for PLCE1-related condition. Last evaluated: 2022-02-14. Review status: no assertion criteria provided. Collection method: clinical testing. Allele origin: germline. Not counted in ClinVar's aggregate classification.
Comment: This variant is classified as likely benign based on ACMG/AMP sequence variant interpretation guidelines (Richards et al. 2015 PMID: 25741868, with internal and published modifications).

NM_016341.4(PLCE1):c.3595G>A (p.Gly1199Ser)

Gene: PLCE1 (phospholipase C epsilon 1; plus strand). Cytogenetic location: 10q23.33.
Variant type: single nucleotide variant.
Coding change: c.3595G>A on transcript NM_016341.4 (MANE Select); coding-DNA position 3595, G replaced by A.
Protein change: p.Gly1199Ser; replaces glycine 1199 with serine.
Molecular consequence: missense variant.
Genome position (GRCh38, 1-based): chr10:94,258,840, G>A. VCF-style: chr10-94258840-G-A. GRCh37 (hg19) VCF-style: chr10-96018597-G-A.
Other names: c.2671G>A, p.Gly891Ser (NM_001165979.2); c.3547G>A, p.Gly1183Ser (NM_001288989.2); short protein forms G1183S, G1199S, G891S.
Identifiers: ClinVar variation 1210225 (VCV001210225.16), dbSNP rs199781223, ClinGen allele CA5612934.